The following is an entry in ClinVar:

ClinVar aggregate classification (germline): Benign (0 of 4 stars; one submission).

Conditions:
HOXD10-related disorder. Also called: HOXD10-related condition.

Allele frequency attached by ClinVar (database versions not stated): ExAC 0.00044; 1000 Genomes Project 0.00100; ESP Exome Variant Server 0.00116; 1000 Genomes Project 30x 0.00125; gnomAD 0.00149; TOPMed 0.00168.
gnomAD v4.1: 423 of 1,613,190 alleles (0.026%); highest among the groups gnomAD compares: African/African-American, 0.51%; no homozygotes.

Submission:

PreventionGenetics, part of Exact Sciences
Classification: Benign for HOXD10-related condition. Last evaluated: 2019-07-19. Review status: no assertion criteria provided. Collection method: clinical testing. Allele origin: germline.
Comment: This variant is classified as benign based on ACMG/AMP sequence variant interpretation guidelines (Richards et al. 2015 PMID: 25741868, with internal and published modifications).

NM_002148.4(HOXD10):c.606C>G (p.Asn202Lys)

Gene: HOXD10 (homeobox D10; plus strand). Cytogenetic location: 2q31.1.
Variant type: single nucleotide variant.
Coding change: c.606C>G on transcript NM_002148.4 (MANE Select); coding-DNA position 606, C replaced by G.
Protein change: p.Asn202Lys; replaces asparagine 202 with lysine.
Molecular consequence: missense variant.
Genome position (GRCh38, 1-based): chr2:176,117,439, C>G. VCF-style: chr2-176117439-C-G. GRCh37 (hg19) VCF-style: chr2-176982167-C-G.
Other names: short protein forms N202K.
Identifiers: ClinVar variation 3049448 (VCV003049448.2), dbSNP rs143111542, ClinGen allele CA1977333.